The following is an entry in ClinVar:

NM_001367916.1(MAGT1):c.399G>A (p.Met133Ile)

Gene: MAGT1 (magnesium transporter 1; minus strand). Cytogenetic location: Xq21.1.
Variant type: single nucleotide variant.
Coding change: c.399G>A on transcript NM_001367916.1 (MANE Select); coding-DNA position 399, G replaced by A.
Protein change: p.Met133Ile; replaces methionine 133 with isoleucine.
Molecular consequence: missense variant.
Genome position (GRCh38, 1-based): chrX:77,857,489, C>T on the plus strand (G>A on the coding strand, the complement: MAGT1 is on the minus strand). VCF-style: chrX-77857489-C-T. GRCh37 (hg19) VCF-style: chrX-77112986-C-T.
Other names: c.495G>A, p.Met165Ile (NM_032121.5); short protein forms M133I, M165I.
Identifiers: ClinVar variation 1352581 (VCV001352581.8), dbSNP rs2149018477, ClinGen allele CA413714460.

ClinVar aggregate classification (germline): Uncertain significance (1 of 4 stars; one submission).

Conditions:
X-linked immunodeficiency with magnesium defect, Epstein-Barr virus infection and neoplasia. Identifiers: Orphanet 317476, MedGen C3275445, MONDO:0010455, OMIM 300853.

Submission:

Labcorp Genetics (formerly Invitae), Labcorp
Classification: Uncertain significance for X-linked immunodeficiency with magnesium defect, Epstein-Barr virus infection and neoplasia. Last evaluated: 2020-12-01. Review status: criteria provided, single submitter. Criteria: Invitae Variant Classification Sherloc (09022015). Collection method: clinical testing. Allele origin: germline.
Comment: This sequence change replaces methionine with isoleucine at codon 165 of the MAGT1 protein (p.Met165Ile). The methionine residue is moderately conserved and there is a small physicochemical difference between methionine and isoleucine. This variant is not present in population databases (ExAC no frequency). This variant has not been reported in the literature in individuals with MAGT1-related conditions. Algorithms developed to predict the effect of missense changes on protein structure and function (SIFT, PolyPhen-2, Align-GVGD) all suggest that this variant is likely to be tolerated, but these predictions have not been confirmed by published functional studies and their clinical significance is uncertain. In summary, the available evidence is currently insufficient to determine the role of this variant in disease. Therefore, it has been classified as a Variant of Uncertain Significance.